The following is an entry in ClinVar:

NM_024570.4(RNASEH2B):c.322-2A>T

Gene: RNASEH2B (ribonuclease H2 subunit B; plus strand). Cytogenetic location: 13q14.3.
Variant type: single nucleotide variant.
Coding change: c.322-2A>T on transcript NM_024570.4 (MANE Select); the canonical splice acceptor site of the intron before coding-DNA position 322, A replaced by T.
Molecular consequence: splice acceptor variant.
Genome position (GRCh38, 1-based): chr13:50,934,883, A>T. VCF-style: chr13-50934883-A-T. GRCh37 (hg19) VCF-style: chr13-51509019-A-T.
Other names: c.322-2A>T (NM_001142279.2, NM_001411023.1).
Identifiers: ClinVar variation 1933332 (VCV001933332.7), dbSNP rs772788079, ClinGen allele CA249997148.
Genomic context (GRCh38, chr13:50,934,883, plus strand): 5'-TCTTTTTTTCTGAATGTCTTTGTTGAATGAAATGCTTGCTTTCCAACTAACTGTTTTTTC[A>T]GGGGAAGTTTCAGCCCCTTGATCAAGTTGTGGTGGATAACGTGTTTCCAAATTGCATCTT-3'

ClinVar aggregate classification (germline): Likely pathogenic. Review status: criteria provided, multiple submitters, no conflicts (2 of 4 stars). 2 submissions from 2 submitters: Likely pathogenic (2). Last evaluated 2025-07-14.

Conditions:
Aicardi-Goutieres syndrome 2. Identifiers: Orphanet 51, MedGen C3489724, MONDO:0012429, OMIM 610181.

Allele frequency attached by ClinVar (database versions not stated): TOPMed below 0.00001; gnomAD 0.00001.
gnomAD v4.1: 7 of 1,598,976 alleles (0.00044%); highest among the groups gnomAD compares: Non-Finnish European, 0.0006%; no homozygotes.

Submissions (2):

Myriad Genetics, Inc.
Classification: Likely pathogenic for Aicardi-Goutieres syndrome 2. Last evaluated: 2025-07-14. Review status: criteria provided, single submitter. Criteria: Myriad Autosomal Dominant, Autosomal Recessive and X-Linked Classification Criteria (2023). Collection method: clinical testing. Allele origin: unknown.
Comment: NM_024570.3(RNASEH2B):c.322-2A>T is a variant in a canonical splice site classified as likely pathogenic in the context of Aicardi-Goutieres syndrome. c.322-2A>T has not been observed in cases with relevant disease. Relevant functional assessments of this variant are not available in the literature. c.322-2A>T has not been observed in referenced population frequency databases. In summary, NM_024570.3(RNASEH2B):c.322-2A>T is a variant in a canonical splice site in a gene where loss of function is a known mechanism of disease and is predicted to disrupt protein function. Please note: this variant was assessed in the context of healthy population screening.

Labcorp Genetics (formerly Invitae), Labcorp
Classification: Likely pathogenic for Aicardi-Goutieres syndrome 2. Last evaluated: 2024-11-18. Review status: criteria provided, single submitter. Criteria: Invitae Variant Classification Sherloc (09022015). Collection method: clinical testing. Allele origin: germline.
Comment: This sequence change affects an acceptor splice site in intron 4 of the RNASEH2B gene. It is expected to disrupt RNA splicing. Variants that disrupt the donor or acceptor splice site typically lead to a loss of protein function (PMID: 16199547), and loss-of-function variants in RNASEH2B are known to be pathogenic (PMID: 17846997). This variant is not present in population databases (gnomAD no frequency). This variant has not been reported in the literature in individuals affected with RNASEH2B-related conditions. ClinVar contains an entry for this variant (Variation ID: 1933332). Algorithms developed to predict the effect of sequence changes on RNA splicing suggest that this variant may disrupt the consensus splice site. In summary, the currently available evidence indicates that the variant is pathogenic, but additional data are needed to prove that conclusively. Therefore, this variant has been classified as Likely Pathogenic.

Literature cited by the submitters: PubMed 16199547 (cited by Labcorp Genetics (formerly Invitae), Labcorp); PubMed 17846997 (cited by Labcorp Genetics (formerly Invitae), Labcorp).